The following is an entry in ClinVar:

ClinVar aggregate classification (germline): Conflicting classifications of pathogenicity. Review status: criteria provided, conflicting classifications (1 of 4 stars). 9 submissions from 9 submitters: Pathogenic (2); Likely pathogenic (4); Uncertain significance (2). 1 of the submissions does not count toward it. Last evaluated 2025-12-29.

Conditions:
Merosin deficient congenital muscular dystrophy (MDC1A). Also called: Congenital Muscular Dystrophy Type 1A (MDC1A); Congenital merosin-deficient muscular dystrophy 1A. Identifiers: Orphanet 258, MedGen C1263858, MONDO:0011925, OMIM 607855.
Muscular dystrophy, limb-girdle, autosomal recessive 23. Identifiers: Orphanet 565837, MedGen C4748327, MONDO:0029136, OMIM 618138.
LAMA2-related muscular dystrophy (LAMA2-RD). Also called: Laminin alpha 2-related dystrophy. Identifiers: MedGen C5679788, MONDO:0100228.

Allele frequency attached by ClinVar (database versions not stated): ExAC 0.00003; gnomAD 0.00003; gnomAD exomes 0.00004; TOPMed 0.00005.
gnomAD v4.1: 54 of 1,609,172 alleles (0.0034%); highest among the groups gnomAD compares: Middle Eastern, 0.016%; no homozygotes.

Submissions (9):

Labcorp Genetics (formerly Invitae), Labcorp
Classification: Likely pathogenic for LAMA2-related muscular dystrophy. Last evaluated: 2025-12-29. Review status: criteria provided, single submitter. Criteria: Invitae Variant Classification Sherloc (09022015). Collection method: clinical testing. Allele origin: germline.
Comment: This sequence change affects an acceptor splice site in intron 17 of the LAMA2 gene. It is expected to disrupt RNA splicing. Variants that disrupt the donor or acceptor splice site typically lead to a loss of protein function (PMID: 16199547), and loss-of-function variants in LAMA2 are known to be pathogenic (PMID: 18700894, 32904964). This variant is present in population databases (no rsID available, gnomAD 0.008%). This variant has not been reported in the literature in individuals affected with LAMA2-related conditions. ClinVar contains an entry for this variant (Variation ID: 550426). Algorithms developed to predict the effect of sequence changes on RNA splicing suggest that this variant may disrupt the consensus splice site. In summary, the currently available evidence indicates that the variant is pathogenic, but additional data are needed to prove that conclusively. Therefore, this variant has been classified as Likely Pathogenic.

Dasa
Classification: Uncertain significance. Last evaluated: 2024-11-18. Review status: criteria provided, single submitter. Criteria: DASA Assertion Criteria. Collection method: clinical testing. Allele origin: germline.
Comment: NM_000426.4(LAMA2):c.2451-2A>G affects a canonical splice site and is predicted to disrupt normal RNA splicing. This variant is rare in population databases. The currently available literature and clinical evidence are not sufficient to establish a definitive association between this variant and the reported condition. Therefore, this variant is classified as a variant of uncertain significance.

Revvity Omics, Revvity
Classification: Likely pathogenic. Last evaluated: 2024-10-08. Review status: criteria provided, single submitter. Criteria: ACMG Guidelines, 2015. Collection method: clinical testing. Allele origin: germline.

Blueprint Genetics
Classification: Uncertain significance. Last evaluated: 2024-08-26. Review status: criteria provided, single submitter. Criteria: ACMG Guidelines, 2015. Collection method: clinical testing. Allele origin: germline.

Fulgent Genetics
Classification: Likely pathogenic for Merosin deficient congenital muscular dystrophy; Muscular dystrophy, limb-girdle, autosomal recessive 23. Last evaluated: 2024-04-18. Review status: criteria provided, single submitter. Criteria: ACMG Guidelines, 2015. Collection method: clinical testing. Allele origin: germline.

Baylor Genetics
Classification: Likely pathogenic for Merosin deficient congenital muscular dystrophy. Last evaluated: 2024-02-02. Review status: criteria provided, single submitter. Criteria: ACMG Guidelines, 2015. Collection method: clinical testing. Allele origin: unknown.

CeGaT Center for Human Genetics Tuebingen
Classification: Pathogenic. Last evaluated: 2016-09-01. Review status: criteria provided, single submitter. Criteria: CeGaT Center For Human Genetics Tuebingen Variant Classification Criteria Version 2. Collection method: clinical testing. Allele origin: germline. Affected: yes. Observed: 1 variant allele.

Kariminejad - Najmabadi Pathology & Genetics Center
Classification: Pathogenic for Merosin deficient congenital muscular dystrophy. Review status: criteria provided, single submitter. Criteria: ACMG Guidelines, 2015. Collection method: clinical testing. Allele origin: germline. Affected: no.

Counsyl
Classification: Likely pathogenic for Merosin deficient congenital muscular dystrophy. Last evaluated: 2017-01-25. Review status: no assertion criteria provided. Collection method: clinical testing. Allele origin: unknown. Not counted in ClinVar's aggregate classification.

Literature cited by the submitters: PubMed 16199547 (cited by Labcorp Genetics (formerly Invitae), Labcorp); PubMed 18700894 (cited by Labcorp Genetics (formerly Invitae), Labcorp); PubMed 32904964 (cited by Labcorp Genetics (formerly Invitae), Labcorp).

NM_000426.4(LAMA2):c.2451-2A>G

Gene: LAMA2 (laminin subunit alpha 2; plus strand). Cytogenetic location: 6q22.33.
Variant type: single nucleotide variant.
Coding change: c.2451-2A>G on transcript NM_000426.4 (MANE Select); the canonical splice acceptor site of the intron before coding-DNA position 2451, A replaced by G.
Molecular consequence: splice acceptor variant.
Genome position (GRCh38, 1-based): chr6:129,280,059, A>G. VCF-style: chr6-129280059-A-G. GRCh37 (hg19) VCF-style: chr6-129601204-A-G.
Other names: c.2451-2A>G (NM_001079823.2).
Identifiers: ClinVar variation 550426 (VCV000550426.60), dbSNP rs993196576, ClinGen allele CA3992954.
Genomic context (GRCh38, chr6:129,280,059, plus strand): 5'-GCTAATGACTTTGTGTATGTCCTTCTTCCTTGTCCCTGTTTTCCGCAACAACATCAACAT[A>G]GCTTTAGCCCAACGTGCCATTTAGACCGGAGTCTTGGATTGATCTGTGATGGATGCCCTG-3'